The following is an entry in ClinVar:

NM_032776.3(JMJD1C):c.1865C>G (p.Thr622Ser)

Gene: JMJD1C (jumonji domain containing 1C; minus strand). Cytogenetic location: 10q21.3.
Variant type: single nucleotide variant.
Coding change: c.1865C>G on transcript NM_032776.3 (MANE Select); coding-DNA position 1865, C replaced by G.
Protein change: p.Thr622Ser; replaces threonine 622 with serine.
Molecular consequence: missense variant. On other transcripts: non-coding transcript variant (1).
Genome position (GRCh38, 1-based): chr10:63,214,302, G>C on the plus strand (C>G on the coding strand, the complement: JMJD1C is on the minus strand). VCF-style: chr10-63214302-G-C. GRCh37 (hg19) VCF-style: chr10-64974062-G-C.
Other names: c.1319C>G, p.Thr440Ser (NM_001282948.2, NM_001318154.2); c.1001C>G, p.Thr334Ser (NM_001318153.2); c.1751C>G, p.Thr584Ser (NM_001322252.2); c.1208C>G, p.Thr403Ser (NM_001322254.2, NM_001322258.2); short protein forms T440S, T622S, T334S, T403S, T584S.
Identifiers: ClinVar variation 2132602 (VCV002132602.4), dbSNP rs757112869, ClinGen allele CA377047381.
Genomic context (GRCh38, chr10:63,214,302, plus strand): 5'-GGTGATGGGCTGGATTTTATCTTGTGAGTATCTACTGAAGTATTAAGTTTAGATTTTATA[G>C]TCTCTGGAGGTGGACTTCGCTTATGCAGCTTATCTTCCATGACAGAAACTGCACTTAAAG-3'
Protein context (NP_116165.1, residues 612-632): KLHKRSPPPE[Thr622Ser]IKSKLNTSVD

ClinVar aggregate classification (germline): Uncertain significance (1 of 4 stars; one submission).

Conditions:
Early Myoclonic Encephalopathy. Identifiers: MedGen C0270855.

Submission:

Labcorp Genetics (formerly Invitae), Labcorp
Classification: Uncertain significance for Early Myoclonic Encephalopathy. Last evaluated: 2023-07-10. Review status: criteria provided, single submitter. Criteria: Invitae Variant Classification Sherloc (09022015). Collection method: clinical testing. Allele origin: germline.
Comment: This sequence change replaces threonine, which is neutral and polar, with serine, which is neutral and polar, at codon 622 of the JMJD1C protein (p.Thr622Ser). This variant is not present in population databases (gnomAD no frequency). This variant has not been reported in the literature in individuals affected with JMJD1C-related conditions. ClinVar contains an entry for this variant (Variation ID: 2132602). Advanced modeling of protein sequence and biophysical properties (such as structural, functional, and spatial information, amino acid conservation, physicochemical variation, residue mobility, and thermodynamic stability) performed at Invitae indicates that this missense variant is not expected to disrupt JMJD1C protein function. In summary, the available evidence is currently insufficient to determine the role of this variant in disease. Therefore, it has been classified as a Variant of Uncertain Significance.